The following is an entry in ClinVar:

ClinVar aggregate classification (germline): Benign (1 of 4 stars; one submission).

Conditions:
Warburg micro syndrome 3 (WARBM3). Also called: MICRO SYNDROME 3. Identifiers: Orphanet 2510, MedGen C3280203, MONDO:0013638, OMIM 614222.

Allele frequency attached by ClinVar (database versions not stated): gnomAD 0.00006 and 0.00042; TOPMed 0.00014; 1000 Genomes Project 30x 0.00219; 1000 Genomes Project 0.00220; gnomAD exomes 0.00234 and 0.00312; ExAC 0.00919.
gnomAD v4.1: 974 of 454,648 alleles (0.21%); highest among the groups gnomAD compares: South Asian, 1.5%; 23 homozygotes.

Submission:

Illumina Laboratory Services, Illumina
Classification: Benign for Warburg micro syndrome 3. Last evaluated: 2018-01-13. Review status: criteria provided, single submitter. Criteria: ICSL Variant Classification Criteria 13 December 2019. Collection method: clinical testing. Allele origin: germline.
Comment: This variant was observed in the ICSL laboratory as part of a predisposition screen in an ostensibly healthy population. It had not been previously curated by ICSL or reported in the Human Gene Mutation Database (HGMD: prior to June 1st, 2018), and was therefore a candidate for classification through an automated scoring system. Utilizing variant allele frequency, disease prevalence and penetrance estimates, and inheritance mode, an automated score was calculated to assess if this variant is too frequent to cause the disease. Based on the score and internal cut-off values, a variant classified as benign is not then subjected to further curation. The score for this variant resulted in a classification of benign for this disease.

NM_021252.5(RAB18):c.*448G>A

Gene: RAB18 (RAB18, member RAS oncogene family; plus strand). Cytogenetic location: 10p12.1.
Variant type: single nucleotide variant.
Coding change: c.*448G>A on transcript NM_021252.5 (MANE Select); 448 bases downstream of the stop codon, G replaced by A.
Molecular consequence: 3 prime UTR variant. On other transcripts: non-coding transcript variant (1).
Genome position (GRCh38, 1-based): chr10:27,538,499, G>A. VCF-style: chr10-27538499-G-A. GRCh37 (hg19) VCF-style: chr10-27827428-G-A.
Other names: c.*448G>A (NM_001256410.2, NM_001256412.2); c.*408G>A (NM_001256411.2).
Identifiers: ClinVar variation 879151 (VCV000879151.4), dbSNP rs563981728, ClinGen allele CA5452474.